The following is an entry in ClinVar:

ClinVar aggregate classification (germline): Likely benign. Review status: criteria provided, multiple submitters, no conflicts (2 of 4 stars). 2 submissions from 2 submitters: Likely benign (2). Last evaluated 2026-01-01.

Conditions:
Early-infantile DEE. Also called: Early infantile epileptic encephalopathy; Ohtahara syndrome; Early infantile epileptic encephalopathy with suppression bursts. Identifiers: Orphanet 1934, MedGen C0393706, MONDO:0800491.

Allele frequency attached by ClinVar (database versions not stated): gnomAD exomes 0.00002 and 0.00003; gnomAD 0.00003; TOPMed 0.00004; ExAC 0.00006; ESP Exome Variant Server 0.00016.
gnomAD v4.1: 33 of 1,613,756 alleles (0.002%); highest among the groups gnomAD compares: African/African-American, 0.004%; no homozygotes.

Submissions (2):

CeGaT Center for Human Genetics Tuebingen
Classification: Likely benign. Last evaluated: 2026-01-01. Review status: criteria provided, single submitter. Criteria: CeGaT Center For Human Genetics Tuebingen Variant Classification Criteria Version 2. Collection method: clinical testing. Allele origin: germline. Affected: yes. Observed: 3 variant alleles.
Comment: SCN8A: BP4, BP7

Labcorp Genetics (formerly Invitae), Labcorp
Classification: Likely benign for Early-infantile DEE. Last evaluated: 2025-05-07. Review status: criteria provided, single submitter. Criteria: Invitae Variant Classification Sherloc (09022015). Collection method: clinical testing. Allele origin: germline.

NM_001330260.2(SCN8A):c.4770C>T (p.Phe1590=)

Gene: SCN8A (sodium voltage-gated channel alpha subunit 8; plus strand). Cytogenetic location: 12q13.13.
Variant type: single nucleotide variant.
Coding change: c.4770C>T on transcript NM_001330260.2 (MANE Select); coding-DNA position 4770, C replaced by T.
Protein change: p.Phe1590=; no amino-acid change (phenylalanine 1590 retained).
Molecular consequence: synonymous variant.
Genome position (GRCh38, 1-based): chr12:51,794,616, C>T. VCF-style: chr12-51794616-C-T. GRCh37 (hg19) VCF-style: chr12-52188400-C-T.
Other names: c.4647C>T, p.Phe1549= (NM_001177984.3, NM_001369788.1); c.4770C>T, p.Phe1590= (NM_014191.4).
Identifiers: ClinVar variation 461345 (VCV000461345.35), dbSNP rs368421269, ClinGen allele CA6571856.